The following is an entry in ClinVar:

NM_007194.4(CHEK2):c.1017T>G (p.His339Gln)

Gene: CHEK2 (checkpoint kinase 2; minus strand). Cytogenetic location: 22q12.1.
Variant type: single nucleotide variant.
Coding change: c.1017T>G on transcript NM_007194.4 (MANE Select); coding-DNA position 1017, T replaced by G.
Protein change: p.His339Gln; replaces histidine 339 with glutamine.
Molecular consequence: missense variant. On other transcripts: intron variant (3).
Genome position (GRCh38, 1-based): chr22:28,696,979, A>C on the plus strand (T>G on the coding strand, the complement: CHEK2 is on the minus strand). VCF-style: chr22-28696979-A-C. GRCh37 (hg19) VCF-style: chr22-29092967-A-C.
Other names: c.1146T>G, p.His382Gln (NM_001005735.3); c.354T>G, p.His118Gln (NM_001257387.3, NM_001437942.1); c.816T>G, p.His272Gln (NM_001349956.3); c.1110T>G, p.His370Gln (NM_001438293.1); c.1009-1106T>G (NM_145862.3); c.1102-1106T>G (NM_001438295.1); c.1138-1106T>G (NM_001438294.1); short protein forms H382Q, H339Q, H272Q, H118Q, H370Q.
Identifiers: ClinVar variation 924520 (VCV000924520.15), dbSNP rs2052614326, ClinGen allele CA411097820.

ClinVar aggregate classification (germline): Uncertain significance. Review status: criteria provided, multiple submitters, no conflicts (2 of 4 stars). 2 submissions from 2 submitters: Uncertain significance (2). Last evaluated 2023-12-06.

Conditions:
Hereditary cancer-predisposing syndrome. Also called: Neoplastic Syndromes, Hereditary; Tumor predisposition; Hereditary Cancer Syndrome; Hereditary neoplastic syndrome. Identifiers: Orphanet 140162, MedGen C0027672, MeSH D009386, MONDO:0015356.
Familial cancer of breast. Also called: BREAST CANCER, FAMILIAL; Hereditary breast cancer; hereditary breast carcinoma. Identifiers: Orphanet 227535, MedGen C0346153, MONDO:0016419, OMIM 114480. Disease mechanism: loss of function.

Submissions (2):

Color Diagnostics, LLC DBA Color Health
Classification: Uncertain significance for Hereditary cancer-predisposing syndrome. Last evaluated: 2023-12-06. Review status: criteria provided, single submitter. Criteria: ACMG Guidelines, 2015. Collection method: clinical testing. Allele origin: germline.
Comment: This missense variant replaces histidine with glutamine at codon 339 of the CHEK2 protein. Computational prediction suggests that this variant may have deleterious impact on protein structure and function (internally defined REVEL score threshold >= 0.7, PMID: 27666373). To our knowledge, functional studies have not been reported for this variant. This variant has been reported in an individual affected with colon cancer (PMID: 37306523). This variant has not been identified in the general population by the Genome Aggregation Database (gnomAD). The available evidence is insufficient to determine the role of this variant in disease conclusively. Therefore, this variant is classified as a Variant of Uncertain Significance.

Labcorp Genetics (formerly Invitae), Labcorp
Classification: Uncertain significance for Familial cancer of breast. Last evaluated: 2023-04-20. Review status: criteria provided, single submitter. Criteria: Invitae Variant Classification Sherloc (09022015). Collection method: clinical testing. Allele origin: germline.
Comment: This variant has not been reported in the literature in individuals affected with CHEK2-related conditions. This variant is not present in population databases (gnomAD no frequency). This sequence change replaces histidine, which is basic and polar, with glutamine, which is neutral and polar, at codon 339 of the CHEK2 protein (p.His339Gln). ClinVar contains an entry for this variant (Variation ID: 924520). In summary, the available evidence is currently insufficient to determine the role of this variant in disease. Therefore, it has been classified as a Variant of Uncertain Significance. Algorithms developed to predict the effect of sequence changes on RNA splicing suggest that this variant may disrupt the consensus splice site. An algorithm developed to predict the effect of missense changes on protein structure and function (PolyPhen-2) suggests that this variant is likely to be disruptive.

Literature cited by the submitters: PubMed 37306523 (cited by Color Diagnostics, LLC DBA Color Health).